The following is an entry in ClinVar:

NM_001042681.2(RERE):c.2060G>A (p.Ser687Asn)

Gene: RERE (arginine-glutamic acid dipeptide repeats; minus strand). Cytogenetic location: 1p36.23.
Variant type: single nucleotide variant.
Coding change: c.2060G>A on transcript NM_001042681.2 (MANE Select); coding-DNA position 2060, G replaced by A.
Protein change: p.Ser687Asn; replaces serine 687 with asparagine.
Molecular consequence: missense variant.
Genome position (GRCh38, 1-based): chr1:8,361,447, C>T on the plus strand (G>A on the coding strand, the complement: RERE is on the minus strand). VCF-style: chr1-8361447-C-T. GRCh37 (hg19) VCF-style: chr1-8421507-C-T.
Other names: c.398G>A, p.Ser133Asn (NM_001042682.2); c.2060G>A, p.Ser687Asn (NM_012102.4); short protein forms S133N, S687N.
Identifiers: ClinVar variation 1000034 (VCV001000034.8), dbSNP rs761691486, ClinGen allele CA571457.

ClinVar aggregate classification (germline): Uncertain significance (1 of 4 stars; one submission).

Allele frequency attached by ClinVar (database versions not stated): gnomAD exomes below 0.00001; ExAC 0.00001.
gnomAD v4.1: 1 of 1,613,524 alleles (0.000062%); highest among the groups gnomAD compares: Non-Finnish European, 0.000085%; no homozygotes.

Submission:

Labcorp Genetics (formerly Invitae), Labcorp
Classification: Uncertain significance. Last evaluated: 2018-03-11. Review status: criteria provided, single submitter. Criteria: Invitae Variant Classification Sherloc (09022015). Collection method: clinical testing. Allele origin: germline.
Comment: In summary, the available evidence is currently insufficient to determine the role of this variant in disease. Therefore, it has been classified as a Variant of Uncertain Significance. This variant is present in population databases (rs761691486, ExAC 0.002%). This variant has not been reported in the literature in individuals with RERE-related disease. Algorithms developed to predict the effect of missense changes on protein structure and function do not agree on the potential impact of this missense change (SIFT: "Tolerated"; PolyPhen-2: "Probably Damaging"; Align-GVGD: "Class C0"). This sequence change replaces serine with asparagine at codon 687 of the RERE protein (p.Ser687Asn). The serine residue is highly conserved and there is a small physicochemical difference between serine and asparagine.